The following is an entry in ClinVar:

ClinVar aggregate classification (germline): Uncertain significance (1 of 4 stars; one submission).

Conditions:
Carney complex, type 1 (CNC1). Also called: CARNEY MYXOMA-ENDOCRINE COMPLEX; CARNEY COMPLEX, TYPE I. Identifiers: Orphanet 1359, MedGen C2607929, MONDO:0008057, OMIM 160980.

Submission:

Labcorp Genetics (formerly Invitae), Labcorp
Classification: Uncertain significance for Carney complex, type 1. Last evaluated: 2025-07-13. Review status: criteria provided, single submitter. Criteria: Invitae Variant Classification Sherloc (09022015). Collection method: clinical testing. Allele origin: germline.
Comment: This sequence change replaces proline, which is neutral and non-polar, with serine, which is neutral and polar, at codon 86 of the PRKAR1A protein (p.Pro86Ser). This variant is not present in population databases (gnomAD no frequency). This variant has not been reported in the literature in individuals affected with PRKAR1A-related conditions. ClinVar contains an entry for this variant (Variation ID: 2184591). Invitae Evidence Modeling of protein sequence and biophysical properties (such as structural, functional, and spatial information, amino acid conservation, physicochemical variation, residue mobility, and thermodynamic stability) indicates that this missense variant is not expected to disrupt PRKAR1A protein function with a negative predictive value of 95%. In summary, the available evidence is currently insufficient to determine the role of this variant in disease. Therefore, it has been classified as a Variant of Uncertain Significance.

NM_002734.5(PRKAR1A):c.256C>T (p.Pro86Ser)

Gene: PRKAR1A (protein kinase cAMP-dependent type I regulatory subunit alpha; plus strand). Cytogenetic location: 17q24.2.
Variant type: single nucleotide variant.
Coding change: c.256C>T on transcript NM_002734.5 (MANE Select); coding-DNA position 256, C replaced by T.
Protein change: p.Pro86Ser; replaces proline 86 with serine.
Molecular consequence: missense variant.
Genome position (GRCh38, 1-based): chr17:68,522,834, C>T. VCF-style: chr17-68522834-C-T. GRCh37 (hg19) VCF-style: chr17-66518975-C-T.
Other names: c.256C>T, p.Pro86Ser (NM_001276289.2, NM_001276290.1, NM_001278433.2 and 4 more transcripts); short protein forms P86S.
Identifiers: ClinVar variation 2184591 (VCV002184591.4), dbSNP rs2509398965, ClinGen allele CA400752326.
Genomic context (GRCh38, chr17:68,522,834, plus strand): 5'-CAGAATCTGCAGAAAGCAGGCACTCGTACAGACTCAAGGGAGGATGAGATTTCTCCTCCT[C>T]CACCCAACCCAGTGGTTAAAGGTAGGAGGCGACGAGGTGCTATCAGCGCTGAGGTCTACA-3'
Protein context (NP_002725.1, residues 76-96): DSREDEISPP[Pro86Ser]PNPVVKGRRR